The following is an entry in ClinVar:

NM_001851.6(COL9A1):c.2365A>T (p.Thr789Ser)

Gene: COL9A1 (collagen type IX alpha 1 chain; minus strand). Cytogenetic location: 6q13.
Variant type: single nucleotide variant.
Coding change: c.2365A>T on transcript NM_001851.6 (MANE Select); coding-DNA position 2365, A replaced by T.
Protein change: p.Thr789Ser; replaces threonine 789 with serine.
Molecular consequence: missense variant. On other transcripts: non-coding transcript variant (1).
Genome position (GRCh38, 1-based): chr6:70,232,721, T>A on the plus strand (A>T on the coding strand, the complement: COL9A1 is on the minus strand). VCF-style: chr6-70232721-T-A. GRCh37 (hg19) VCF-style: chr6-70942424-T-A.
Other names: c.1666A>T, p.Thr556Ser (NM_001377289.1); c.1489A>T, p.Thr497Ser (NM_001377290.1); c.1636A>T, p.Thr546Ser (NM_078485.4); short protein forms T546S, T789S, T556S, T497S.
Identifiers: ClinVar variation 1368272 (VCV001368272.8), dbSNP rs373877078, ClinGen allele CA140846076.

ClinVar aggregate classification (germline): Uncertain significance (1 of 4 stars; one submission).

gnomAD v4.1: 1 of 1,613,938 alleles (0.000062%); no homozygotes.

Submission:

Labcorp Genetics (formerly Invitae), Labcorp
Classification: Uncertain significance. Last evaluated: 2022-07-06. Review status: criteria provided, single submitter. Criteria: Invitae Variant Classification Sherloc (09022015). Collection method: clinical testing. Allele origin: germline.
Comment: This sequence change replaces threonine, which is neutral and polar, with serine, which is neutral and polar, at codon 789 of the COL9A1 protein (p.Thr789Ser). This variant is not present in population databases (gnomAD no frequency). This variant has not been reported in the literature in individuals affected with COL9A1-related conditions. ClinVar contains an entry for this variant (Variation ID: 1368272). Advanced modeling of protein sequence and biophysical properties (such as structural, functional, and spatial information, amino acid conservation, physicochemical variation, residue mobility, and thermodynamic stability) performed at Invitae indicates that this missense variant is not expected to disrupt COL9A1 protein function. In summary, the available evidence is currently insufficient to determine the role of this variant in disease. Therefore, it has been classified as a Variant of Uncertain Significance.